The following is an entry in ClinVar:

ClinVar aggregate classification (germline): Likely benign (0 of 4 stars; one submission).

Conditions:
COL2A1-related disorder. Also called: COL2A1-related condition; COL2A1-related disorders.

Allele frequency attached by ClinVar (database versions not stated): gnomAD exomes below 0.00001.
gnomAD v4.1: 1 of 1,614,136 alleles (0.000062%); highest among the groups gnomAD compares: Admixed American, 0.0017%; no homozygotes.

Submission:

PreventionGenetics, part of Exact Sciences
Classification: Likely benign for COL2A1-related condition. Last evaluated: 2021-06-02. Review status: no assertion criteria provided. Collection method: clinical testing. Allele origin: germline.
Comment: This variant is classified as likely benign based on ACMG/AMP sequence variant interpretation guidelines (Richards et al. 2015 PMID: 25741868, with internal and published modifications).

NM_001844.5(COL2A1):c.3912A>G (p.Gln1304=)

Gene: COL2A1 (collagen type II alpha 1 chain; minus strand). Cytogenetic location: 12q13.11.
Variant type: single nucleotide variant.
Coding change: c.3912A>G on transcript NM_001844.5 (MANE Select); coding-DNA position 3912, A replaced by G.
Protein change: p.Gln1304=; no amino-acid change (glutamine 1304 retained).
Molecular consequence: synonymous variant.
Genome position (GRCh38, 1-based): chr12:47,974,837, T>C on the plus strand (A>G on the coding strand, the complement: COL2A1 is on the minus strand). VCF-style: chr12-47974837-T-C. GRCh37 (hg19) VCF-style: chr12-48368620-T-C.
Other names: c.3705A>G, p.Gln1235= (NM_033150.3).
Identifiers: ClinVar variation 3029566 (VCV003029566.2), dbSNP rs1398586187, ClinGen allele CA479451141.
Genomic context (GRCh38, chr12:47,974,837, plus strand): 5'-GACGCAAGTCTCGCCAGTCTCCATGTTGCAGAAAACCTTCATGGCGTCCAAGGTGCAGCC[T>C]TGGTTGGGGTCAATCCAGTAGTCTCCTGCAGGGGGAAGAGGCAGCACCCATGGGGGCTCA-3'
Protein context (NP_001835.3, residues 1294-1314): KSGDYWIDPN[Gln1304=]GCTLDAMKVF